The following is an entry in ClinVar:

ClinVar aggregate classification (germline): Uncertain significance. Review status: criteria provided, multiple submitters, no conflicts (2 of 4 stars). 2 submissions from 2 submitters: Uncertain significance (2). Last evaluated 2025-12-15.

Allele frequency attached by ClinVar (database versions not stated): ExAC 0.00001; gnomAD exomes 0.00001.
gnomAD v4.1: 13 of 1,609,594 alleles (0.00081%); highest among the groups gnomAD compares: East Asian, 0.0022%; no homozygotes.

Submissions (2):

Labcorp Genetics (formerly Invitae), Labcorp
Classification: Uncertain significance. Last evaluated: 2025-12-15. Review status: criteria provided, single submitter. Criteria: Invitae Variant Classification Sherloc (09022015). Collection method: clinical testing. Allele origin: germline.
Comment: This sequence change replaces arginine, which is basic and polar, with glutamine, which is neutral and polar, at codon 1083 of the TAOK2 protein (p.Arg1083Gln). This variant is present in population databases (rs771780720, gnomAD 0.006%). This variant has not been reported in the literature in individuals affected with TAOK2-related conditions. ClinVar contains an entry for this variant (Variation ID: 2517268). An algorithm developed to predict the effect of missense changes on protein structure and function (PolyPhen-2) suggests that this variant is likely to be disruptive. In summary, the available evidence is currently insufficient to determine the role of this variant in disease. Therefore, it has been classified as a Variant of Uncertain Significance.

Ambry Genetics
Classification: Uncertain significance. Last evaluated: 2025-11-03. Review status: criteria provided, single submitter. Criteria: Ambry Variant Classification Scheme 2023. Collection method: clinical testing. Allele origin: germline.

NM_016151.4(TAOK2):c.3248G>A (p.Arg1083Gln)

Gene: TAOK2 (TAO kinase 2; plus strand). Cytogenetic location: 16p11.2.
Variant type: single nucleotide variant.
Coding change: c.3248G>A on transcript NM_016151.4 (MANE Select); coding-DNA position 3248, G replaced by A.
Protein change: p.Arg1083Gln; replaces arginine 1083 with glutamine.
Molecular consequence: missense variant. On other transcripts: intron variant (1).
Genome position (GRCh38, 1-based): chr16:29,987,520, G>A. VCF-style: chr16-29987520-G-A. GRCh37 (hg19) VCF-style: chr16-29998841-G-A.
Other names: c.2909G>A, p.Arg970Gln (NM_001252043.2); c.2232+1016G>A (NM_004783.4); short protein forms R970Q, R1083Q.
Identifiers: ClinVar variation 2517268 (VCV002517268.4), dbSNP rs771780720, ClinGen allele CA7998532.